The following is an entry in ClinVar:

ClinVar aggregate classification (germline): Likely benign (1 of 4 stars; one submission).

Submission:

CeGaT Center for Human Genetics Tuebingen
Classification: Likely benign. Last evaluated: 2025-08-01. Review status: criteria provided, single submitter. Criteria: CeGaT Center For Human Genetics Tuebingen Variant Classification Criteria Version 2. Collection method: clinical testing. Allele origin: germline. Affected: yes. Observed: 1 variant allele.
Comment: KRT2: BP4

NM_000423.3(KRT2):c.1523T>C (p.Ile508Thr)

Gene: KRT2 (keratin 2; minus strand). Cytogenetic location: 12q13.13.
Variant type: single nucleotide variant.
Coding change: c.1523T>C on transcript NM_000423.3 (MANE Select); coding-DNA position 1523, T replaced by C.
Protein change: p.Ile508Thr; replaces isoleucine 508 with threonine.
Molecular consequence: missense variant.
Genome position (GRCh38, 1-based): chr12:52,645,416, A>G on the plus strand (T>C on the coding strand, the complement: KRT2 is on the minus strand). VCF-style: chr12-52645416-A-G. GRCh37 (hg19) VCF-style: chr12-53039200-A-G.
Other names: short protein forms I508T.
Identifiers: ClinVar variation 4084069 (VCV004084069.8).
Genomic context (GRCh38, chr12:52,645,416, plus strand): 5'-GAACTGGACCCTCTACCTCCAGAACCTCCAAAGGCAGCCTTGGATGCCACATTTGATGAA[A>G]TGGTGCTGCTTGTCACAGCTGCAGAGAGAGGTGGTGTTACCACAGAGATTATGACTGCCT-3'
Protein context (NP_000414.2, residues 498-518): NVTVSVTSST[Ile508Thr]SSNVASKAAF